The following is an entry in ClinVar:

ClinVar aggregate classification (germline): Uncertain significance (1 of 4 stars; one submission).

Submission:

Labcorp Genetics (formerly Invitae), Labcorp
Classification: Uncertain significance. Last evaluated: 2025-08-08. Review status: criteria provided, single submitter. Criteria: Invitae Variant Classification Sherloc (09022015). Collection method: clinical testing. Allele origin: germline.
Comment: This sequence change replaces valine, which is neutral and non-polar, with leucine, which is neutral and non-polar, at codon 4716 of the ADGRV1 protein (p.Val4716Leu). This variant is not present in population databases (gnomAD no frequency). This variant has not been reported in the literature in individuals affected with ADGRV1-related conditions. Invitae Evidence Modeling of protein sequence and biophysical properties (such as structural, functional, and spatial information, amino acid conservation, physicochemical variation, residue mobility, and thermodynamic stability) indicates that this missense variant is not expected to disrupt ADGRV1 protein function with a negative predictive value of 95%. In summary, the available evidence is currently insufficient to determine the role of this variant in disease. Therefore, it has been classified as a Variant of Uncertain Significance.

NM_032119.4(ADGRV1):c.14146G>C (p.Val4716Leu)

Gene: ADGRV1 (adhesion G protein-coupled receptor V1; plus strand). Cytogenetic location: 5q14.3.
Variant type: single nucleotide variant.
Coding change: c.14146G>C on transcript NM_032119.4 (MANE Select); coding-DNA position 14146, G replaced by C.
Protein change: p.Val4716Leu; replaces valine 4716 with leucine.
Molecular consequence: missense variant. On other transcripts: non-coding transcript variant (1).
Genome position (GRCh38, 1-based): chr5:90,790,975, G>C. VCF-style: chr5-90790975-G-C. GRCh37 (hg19) VCF-style: chr5-90086792-G-C.
Other names: short protein forms V4716L.
Identifiers: ClinVar variation 4697401 (VCV004697401.1).